The following is an entry in ClinVar:

NM_007294.4(BRCA1):c.3029_3030del (p.Pro1010fs)

Gene: BRCA1 (BRCA1 DNA repair associated; minus strand). Cytogenetic location: 17q21.31.
Variant type: Deletion.
Coding change: c.3029_3030del on transcript NM_007294.4 (MANE Select); coding-DNA positions 3029 to 3030, 2 bases deleted (CT; older notation c.3029_3030delCT).
Protein change: p.Pro1010fs; shifts the reading frame from proline 1010.
Molecular consequence: frameshift variant. On other transcripts: intron variant (137).
Genome position (GRCh38, 1-based): chr17:43,092,501-43,092,502, AG deleted on the plus strand (CT on the coding strand, the reverse complement: BRCA1 is on the minus strand). VCF-style (leftmost placement, unchanged base first): chr17-43092500-CAG-C. GRCh37 (hg19) VCF-style: chr17-41244517-CAG-C.
Other names: 3148delCT; c.2816_2817del, p.Pro939fs (NM_001407571.1, NM_001407853.1, NM_001407894.1 and 9 more transcripts); c.3029_3030del, p.Pro1010fs (NM_001407581.1, NM_001407582.1, NM_001407583.1 and 30 more transcripts); c.3026_3027del, p.Pro1009fs (NM_001407587.1, NM_001407590.1, NM_001407591.1 and 22 more transcripts); c.3020_3021del, p.Pro1007fs (NM_001407646.1, NM_001407647.1); c.2906_2907del, p.Pro969fs (NM_001407648.1, NM_001407664.1, NM_001407665.1 and 19 more transcripts); c.2903_2904del, p.Pro968fs (NM_001407649.1, NM_001407670.1, NM_001407671.1 and 11 more transcripts); c.2951_2952del, p.Pro984fs (NM_001407653.1, NM_001407654.1, NM_001407655.1 and 4 more transcripts); and 42 more; short protein forms P963fs, P1010fs, P1007fs, P882fs, P883fs, P922fs, P939fs, P940fs.
Identifiers: ClinVar variation 54757 (VCV000054757.70), dbSNP rs80357510, ClinGen allele CA001991.

ClinVar aggregate classification (germline): Pathogenic. Review status: reviewed by expert panel (3 of 4 stars). 15 submissions from 15 submitters: Pathogenic (1). 14 of the submissions do not count toward it. Last evaluated 2016-09-08.

Conditions:
Hereditary cancer-predisposing syndrome. Also called: Tumor predisposition; Neoplastic Syndromes, Hereditary; Hereditary Cancer Syndrome; Hereditary neoplastic syndrome. Identifiers: Orphanet 140162, MedGen C0027672, MeSH D009386, MONDO:0015356.
Hereditary breast ovarian cancer syndrome. Also called: Hereditary breast and ovarian cancer syndrome (HBOC); Hereditary breast and ovarian cancer syndrome; Hereditary breast and ovarian cancer; Hereditary breast and/or ovarian cancer syndrome; Breast and ovarian cancer; BRCA1- and BRCA2-Associated Hereditary Breast and Ovarian Cancer. Identifiers: Orphanet 145, MedGen C0677776, MeSH D061325, MONDO:0003582. Disease mechanism: loss of function.
Breast-ovarian cancer, familial, susceptibility to, 1 (BROVCA1). Also called: OVARIAN CANCER, SUSCEPTIBILITY TO; BRCA1 Hereditary Breast and Ovarian Cancer. Identifiers: Orphanet 145, MedGen C2676676, MONDO:0011450, OMIM 604370. Disease mechanism: loss of function.

Allele frequency attached by ClinVar (database versions not stated): TOPMed below 0.00001.

Submissions 1 to 9 of 15:

Evidence-based Network for the Interpretation of Germline Mutant Alleles (ENIGMA)
Classification: Pathogenic for Breast-ovarian cancer, familial, susceptibility to, 1. Last evaluated: 2016-09-08. Review status: reviewed by expert panel. Criteria: ENIGMA BRCA1/2 Classification Criteria (2015). Collection method: curation. Allele origin: germline.
Comment: Variant allele predicted to encode a truncated non-functional protein.

Labcorp Genetics (formerly Invitae), Labcorp
Classification: Pathogenic for Hereditary breast ovarian cancer syndrome. Last evaluated: 2025-11-05. Review status: criteria provided, single submitter. Criteria: Invitae Variant Classification Sherloc (09022015). Collection method: clinical testing. Allele origin: germline. Not counted in ClinVar's aggregate classification.
Comment: This sequence change creates a premature translational stop signal (p.Pro1010Argfs*7) in the BRCA1 gene. It is expected to result in an absent or disrupted protein product. Loss-of-function variants in BRCA1 are known to be pathogenic (PMID: 20104584). This variant is not present in population databases (gnomAD no frequency). This premature translational stop signal has been observed in individual(s) with breast cancer (PMID: 18159056, 20104584). This variant is also known as 3148delCT. ClinVar contains an entry for this variant (Variation ID: 54757). For these reasons, this variant has been classified as Pathogenic.

Color Diagnostics, LLC DBA Color Health
Classification: Pathogenic for Hereditary cancer-predisposing syndrome. Last evaluated: 2025-03-24. Review status: criteria provided, single submitter. Criteria: ACMG Guidelines, 2015. Collection method: clinical testing. Allele origin: germline. Not counted in ClinVar's aggregate classification.
Comment: This variant deletes 2 nucleotides in exon 10 of the BRCA1 gene, creating a frameshift and premature translation stop signal. This variant is expected to result in an absent or non-functional protein product. To our knowledge, functional studies have not been reported for this variant. This variant has been detected in at least 4 individuals affected with breast cancer and over 10 hereditary breast and ovarian cancer families (PMID: 18159056, 19241424, 20104584, 21080930, 25628955, 28127413). A multifactorial analysis has reported a likelihood ratio for pathogenicity based on personal and family history of 6.228 from log(LR)=0.794 for 4 carriers (PMID: 31853058). This variant has not been identified in the general population by the Genome Aggregation Database (gnomAD). Loss of BRCA1 function is a known mechanism of disease. Based on the available evidence, this variant is classified as Pathogenic.

Ambry Genetics
Classification: Pathogenic for Hereditary cancer-predisposing syndrome. Last evaluated: 2025-03-16. Review status: criteria provided, single submitter. Criteria: Ambry Variant Classification Scheme 2023. Collection method: clinical testing. Allele origin: germline. Not counted in ClinVar's aggregate classification.
Comment: The c.3029_3030delCT pathogenic mutation, located in coding exon 9 of the BRCA1 gene, results from a deletion of two nucleotides at nucleotide positions 3029 to 3030, causing a translational frameshift with a predicted alternate stop codon (p.P1010Rfs*7). This mutation has been reported in several Hispanic breast/ovarian cancer families (John EM et al. JAMA. 2007 Dec;298(24):2869-76; Hall MJ et al. Cancer. 2009 May;115(10):2222-33; Nahleh Z et al. Am J Cancer Res, 2015 Dec;5:466-71). Of note, this alteration is also designated as 3148delCT in published literature. This variant is considered to be rare based on population cohorts in the Genome Aggregation Database (gnomAD). In addition to the clinical data presented in the literature, this alteration is expected to result in loss of function by premature protein truncation or nonsense-mediated mRNA decay. As such, this alteration is interpreted as a disease-causing mutation.

All of Us Research Program, National Institutes of Health
Classification: Pathogenic for Breast-ovarian cancer, familial, susceptibility to, 1. Last evaluated: 2024-01-06. Review status: criteria provided, single submitter. Criteria: ACMG Guidelines, 2015. Collection method: clinical testing. Allele origin: germline. Inheritance: Autosomal dominant inheritance. Observed: 1 variant allele, 1 heterozygote. Not counted in ClinVar's aggregate classification.
Comment: This variant deletes 2 nucleotides in exon 10 of the BRCA1 gene, creating a frameshift and premature translation stop signal. This variant is expected to result in an absent or non-functional protein product. To our knowledge, functional studies have not been reported for this variant. This variant has been detected in at least 4 individuals affected with breast cancer and over 10 hereditary breast and ovarian cancer families (PMID: 18159056, 19241424, 20104584, 21080930, 25628955, 28127413). This variant has not been identified in the general population by the Genome Aggregation Database (gnomAD). Loss of BRCA1 function is a known mechanism of disease. Based on the available evidence, this variant is classified as Pathogenic.

This study involves interpretation of variants in research participants for the purpose of population health screening. Participant phenotype was not available at the time of variant classification. Additional details can be found in publication PMID: 35346344, PMCID: PMC8962531

Baylor Genetics
Classification: Pathogenic for Breast-ovarian cancer, familial, susceptibility to, 1. Last evaluated: 2024-01-02. Review status: criteria provided, single submitter. Criteria: ACMG Guidelines, 2015. Collection method: clinical testing. Allele origin: unknown. Not counted in ClinVar's aggregate classification.

Human Genome Sequencing Center Clinical Lab, Baylor College of Medicine
Classification: Pathogenic for hereditary breast and ovarian cancer syndrome. Last evaluated: 2023-09-22. Review status: criteria provided, single submitter. Criteria: ACMG Guidelines, 2015. Collection method: clinical testing. Allele origin: unknown. Not counted in ClinVar's aggregate classification.
Comment: The c.3029_3030del (p.Pro1010Argfs*7) variant of the BRCA1 gene creates an early stop codon. It is predicted to result in an absent or disrupted protein product. This variant has been reported in multiple individuals with breast and/or ovarian cancer (PMID: 16267036, 18159056, 19241424, 20104584, 21080930, 25186627, 25628955, 28127413, 29446198). This variant has not been identified in the general population by the Genome Aggregation Database (gnomAD). Truncating variants in BRCA1 are known to be pathogenic (PMID: 21989022, 17661172, 22762150). Therefore this variant is classified as pathogenic.

Sema4
Classification: Pathogenic for Hereditary cancer-predisposing syndrome. Last evaluated: 2021-12-16. Review status: criteria provided, single submitter. Criteria: Sema4 Curation Guidelines. Collection method: curation. Allele origin: germline. Not counted in ClinVar's aggregate classification.
Comment: The BRCA1 c.3029_3030delCT (p.P1010RfsX7) variant has been reported in heterozygosity in multiple individuals with breast or ovarian cancer (PMID: 18159056, 19241424, 25628955, 21532809, 29446198, among others). It is also known as 3148delCT in the literature. This variant causes a frameshift at amino acid 1010 that results in premature termination 7 amino acids downstream. At this location, nonsense-mediated decay is predicted to occur, resulting in a loss of gene function. Loss of function variants in BRCA1 are known to be pathogenic (PMID: 29446198). This variant is not reported in the population database Genome Aggregation Database (PMID: 32461654), but has been reported in ClinVar (Variation ID: 54757). Based on the current evidence available, this variant is interpreted as pathogenic.

Quest Diagnostics Nichols Institute San Juan Capistrano
Classification: Pathogenic. Last evaluated: 2021-01-25. Review status: criteria provided, single submitter. Criteria: Quest Diagnostics criteria. Collection method: clinical testing. Allele origin: unknown. Not counted in ClinVar's aggregate classification.
Comment: This variant alters the translational reading frame of the BRCA1 mRNA and causes the premature termination of BRCA1 protein synthesis. In the published literature, this variant has been reported in individuals with breast cancer (PMIDs: 25628955 (2015), 25186627 (2015), 18159056 (2007), 20104584 (2010)). This variant has not been reported in large, multi-ethnic general populations (Genome Aggregation Database). Based on the available information, this variant is classified as pathogenic.